The following is an entry in ClinVar:

NM_001854.4(COL11A1):c.904A>G (p.Ile302Val)

Gene: COL11A1 (collagen type XI alpha 1 chain; minus strand). Cytogenetic location: 1p21.1.
Variant type: single nucleotide variant.
Coding change: c.904A>G on transcript NM_001854.4 (MANE Select); coding-DNA position 904, A replaced by G.
Protein change: p.Ile302Val; replaces isoleucine 302 with valine.
Molecular consequence: missense variant. On other transcripts: non-coding transcript variant (1), intron variant (1).
Genome position (GRCh38, 1-based): chr1:103,025,607, T>C on the plus strand (A>G on the coding strand, the complement: COL11A1 is on the minus strand). VCF-style: chr1-103025607-T-C. GRCh37 (hg19) VCF-style: chr1-103491163-T-C.
Other names: c.787A>G, p.Ile263Val (NM_001190709.2); c.940A>G, p.Ile314Val (NM_080629.3); c.897+609A>G (NM_080630.4); short protein forms I302V, I314V, I263V.
Identifiers: ClinVar variation 291540 (VCV000291540.21), dbSNP rs75824519, ClinGen allele CA975198.
Genomic context (GRCh38, chr1:103,025,607, plus strand): 5'-GAGCTTCTGTCTGGTAACTTTCCATTGTTCCATAGTTGTATTCTTGAAAATCATCAACGA[T>C]GTTTGCCTAATGGTAAATTCAGAAGAGAATTAGTAAACATGTAAGGTGATCCCAAATGTA-3'
Protein context (NP_001845.3, residues 292-312): EETIAQTEAN[Ile302Val]VDDFQEYNYG

ClinVar aggregate classification (germline): Benign/Likely benign. Review status: criteria provided, multiple submitters, no conflicts (2 of 4 stars). 8 submissions from 7 submitters: Benign (6); Likely benign (2). Last evaluated 2026-05-11.

Conditions:
Fibrochondrogenesis 1 (FBCG1). Identifiers: Orphanet 2021, MedGen C3278138, MONDO:0009226, OMIM 228520.
Connective tissue disorder. Also called: Connective tissue disease. Identifiers: MedGen C0009782, MONDO:0003900.
Stickler syndrome type 2 (STL2). Also called: COL11A1-Related Stickler Syndrome; STICKLER SYNDROME, TYPE II; STICKLER SYNDROME, BEADED VITREOUS TYPE; STICKLER SYNDROME, VITREOUS TYPE 2. Identifiers: Orphanet 828, Orphanet 90654, MedGen C1858084, MONDO:0011493, OMIM 604841.

Allele frequency attached by ClinVar (database versions not stated): ExAC 0.00344; 1000 Genomes Project 0.01338; gnomAD exomes 0.00089 and 0.00266; gnomAD 0.01140 and 0.01069; TOPMed 0.01145; ESP Exome Variant Server 0.01199; 1000 Genomes Project 30x 0.01452.
gnomAD v4.1: 2,953 of 1,613,370 alleles (0.18%); highest among the groups gnomAD compares: African/African-American, 3.6%; 41 homozygotes.

Submissions (8):

Women's Health and Genetics/Laboratory Corporation of America, LabCorp
Classification: Likely benign. Last evaluated: 2026-05-11. Review status: criteria provided, single submitter. Criteria: LabCorp Variant Classification Summary - May 2015. Collection method: clinical testing. Allele origin: germline.

Labcorp Genetics (formerly Invitae), Labcorp
Classification: Benign. Last evaluated: 2026-01-29. Review status: criteria provided, single submitter. Criteria: Invitae Variant Classification Sherloc (09022015). Collection method: clinical testing. Allele origin: germline.

ARUP Laboratories, Molecular Genetics and Genomics, ARUP Laboratories
Classification: Benign. Last evaluated: 2025-04-10. Review status: criteria provided, single submitter. Criteria: ARUP Molecular Germline Variant Investigation Process 2024. Collection method: clinical testing. Allele origin: germline.

Genome Diagnostics Laboratory, The Hospital for Sick Children
Classification: Likely benign for Connective tissue disorder. Last evaluated: 2020-09-30. Review status: criteria provided, single submitter. Criteria: ACMG Guidelines, 2015. Collection method: clinical testing. Allele origin: germline.

Illumina Laboratory Services, Illumina
Classification: Benign for Stickler syndrome type 2. Last evaluated: 2018-01-12. Review status: criteria provided, single submitter. Criteria: ICSL Variant Classification Criteria 13 December 2019. Collection method: clinical testing. Allele origin: germline.
Comment: This variant was observed in the ICSL laboratory as part of a predisposition screen in an ostensibly healthy population. It had not been previously curated by ICSL or reported in the Human Gene Mutation Database (HGMD: prior to June 1st, 2018), and was therefore a candidate for classification through an automated scoring system. Utilizing variant allele frequency, disease prevalence and penetrance estimates, and inheritance mode, an automated score was calculated to assess if this variant is too frequent to cause the disease. Based on the score and internal cut-off values, a variant classified as benign is not then subjected to further curation. The score for this variant resulted in a classification of benign for this disease.

Illumina Laboratory Services, Illumina
Classification: Benign for Fibrochondrogenesis 1. Last evaluated: 2018-01-12. Review status: criteria provided, single submitter. Criteria: ICSL Variant Classification Criteria 13 December 2019. Collection method: clinical testing. Allele origin: germline.
Comment: the same text as in the submission from Illumina Laboratory Services, Illumina above.

GeneDx
Classification: Benign. Last evaluated: 2017-07-05. Review status: criteria provided, single submitter. Criteria: GeneDx Variant Classification (06012015). Collection method: clinical testing. Allele origin: germline. Affected: yes.
Comment: This variant is considered likely benign or benign based on one or more of the following criteria: it is a conservative change, it occurs at a poorly conserved position in the protein, it is predicted to be benign by multiple in silico algorithms, and/or has population frequency not consistent with disease.

Breakthrough Genomics
Classification: Benign. Review status: criteria provided, single submitter. Criteria: ACMG Guidelines, 2015. Collection method: not provided. Allele origin: germline. Inheritance: Autosomal recessive inheritance. Affected: yes.